The following is an entry in ClinVar:

NM_001199397.3(NEK1):c.842C>T (p.Ser281Leu)

Gene: NEK1 (NIMA related kinase 1; minus strand). Cytogenetic location: 4q33.
Variant type: single nucleotide variant.
Coding change: c.842C>T on transcript NM_001199397.3 (MANE Select); coding-DNA position 842, C replaced by T.
Protein change: p.Ser281Leu; replaces serine 281 with leucine.
Molecular consequence: missense variant. On other transcripts: non-coding transcript variant (2).
Genome position (GRCh38, 1-based): chr4:169,580,868, G>A on the plus strand (C>T on the coding strand, the complement: NEK1 is on the minus strand). VCF-style: chr4-169580868-G-A. GRCh37 (hg19) VCF-style: chr4-170502019-G-A.
Other names: c.842C>T, p.Ser281Leu (NM_001199398.3, NM_001199399.3, NM_001199400.3 and 7 more transcripts); short protein forms S281L.
Identifiers: ClinVar variation 2058482 (VCV002058482.5), dbSNP rs376649040, ClinGen allele CA3137939.

ClinVar aggregate classification (germline): Conflicting classifications of pathogenicity. Review status: criteria provided, conflicting classifications (1 of 4 stars). 2 submissions from 2 submitters: Uncertain significance (1); Likely benign (1). Last evaluated 2026-07-01.

Conditions:
Short-rib thoracic dysplasia 6 with or without polydactyly (SRTD6). Also called: SHORT RIB-POLYDACTYLY SYNDROME, TYPE IIA; SHORT-RIB THORACIC DYSPLASIA 6 WITHOUT POLYDACTYLY; POLYDACTYLY WITH NEONATAL CHONDRODYSTROPHY, TYPE II; Majewski Syndrome; SHORT-RIB THORACIC DYSPLASIA 6 WITH POLYDACTYLY. Identifiers: MedGen C0024507, MONDO:0009894, OMIM 263520.

Allele frequency attached by ClinVar (database versions not stated): gnomAD exomes 0.00002; gnomAD 0.00003; TOPMed 0.00003.
gnomAD v4.1: 30 of 1,532,304 alleles (0.002%); highest among the groups gnomAD compares: Admixed American, 0.01%; no homozygotes.

Submissions (2):

CeGaT Center for Human Genetics Tuebingen
Classification: Likely benign. Last evaluated: 2026-07-01. Review status: criteria provided, single submitter. Criteria: CeGaT Center For Human Genetics Tuebingen Variant Classification Criteria Version 2. Collection method: clinical testing. Allele origin: germline. Affected: yes. Observed: 1 variant allele.
Comment: NEK1: BP4

Labcorp Genetics (formerly Invitae), Labcorp
Classification: Uncertain significance for Short-rib thoracic dysplasia 6 with or without polydactyly. Last evaluated: 2025-10-15. Review status: criteria provided, single submitter. Criteria: Invitae Variant Classification Sherloc (09022015). Collection method: clinical testing. Allele origin: germline.
Comment: This sequence change replaces serine, which is neutral and polar, with leucine, which is neutral and non-polar, at codon 281 of the NEK1 protein (p.Ser281Leu). The frequency data for this variant in the population databases is considered unreliable, as metrics indicate poor data quality at this position in the gnomAD database. This variant has not been reported in the literature in individuals affected with NEK1-related conditions. ClinVar contains an entry for this variant (Variation ID: 2058482). Invitae Evidence Modeling of protein sequence and biophysical properties (such as structural, functional, and spatial information, amino acid conservation, physicochemical variation, residue mobility, and thermodynamic stability) indicates that this missense variant is not expected to disrupt NEK1 protein function with a negative predictive value of 95%. In summary, the available evidence is currently insufficient to determine the role of this variant in disease. Therefore, it has been classified as a Variant of Uncertain Significance.